The following is an entry in ClinVar:

NM_138615.3(DHX30):c.2081T>A (p.Met694Lys)

Gene: DHX30 (DExH-box helicase 30; plus strand). Cytogenetic location: 3p21.31.
Variant type: single nucleotide variant.
Coding change: c.2081T>A on transcript NM_138615.3 (MANE Select); coding-DNA position 2081, T replaced by A.
Protein change: p.Met694Lys; replaces methionine 694 with lysine.
Molecular consequence: missense variant.
Genome position (GRCh38, 1-based): chr3:47,847,507, T>A. VCF-style: chr3-47847507-T-A. GRCh37 (hg19) VCF-style: chr3-47888997-T-A.
Other names: c.1997T>A, p.Met666Lys (NM_001330990.2); c.1964T>A, p.Met655Lys (NM_014966.4); short protein forms M694K, M666K, M655K.
Identifiers: ClinVar variation 4088204 (VCV004088204.1).
Genomic context (GRCh38, chr3:47,847,507, plus strand): 5'-TCCTGCCTGGGTGGCAGGAGATCAAAGGAGTGCAGCAGCGCCTCCAGGAGGCCCTGGGCA[T>A]GCACGAGAGCAAGTACCTCATCCTGCCAGGTGAGAGCCCCGGCGGAGGGACCAGGGACCT-3'
Protein context (NP_619520.1, residues 684-704): VQQRLQEALG[Met694Lys]HESKYLILPV

ClinVar aggregate classification (germline): Uncertain significance (1 of 4 stars; one submission).

gnomAD v4.1: 2 of 1,612,030 alleles (0.00012%); highest among the groups gnomAD compares: African/African-American, 0.0027%; no homozygotes.

Submission:

GeneDx
Classification: Uncertain significance. Last evaluated: 2025-03-24. Review status: criteria provided, single submitter. Criteria: GeneDx Variant Classification Process June 2021. Collection method: clinical testing. Allele origin: germline. Affected: yes.
Comment: Not observed at significant frequency in large population cohorts (gnomAD); In silico analysis indicates that this missense variant does not alter protein structure/function; Has not been previously published as pathogenic or benign to our knowledge